The following is an entry in ClinVar:

NM_000492.4(CFTR):c.3544T>C (p.Tyr1182His)

Genes: CFTR (CF transmembrane conductance regulator; plus strand), CFTR-AS2 (CFTR antisense RNA 2; minus strand). Cytogenetic location: 7q31.2.
Variant type: single nucleotide variant.
Coding change: c.3544T>C on transcript NM_000492.4 (MANE Select); coding-DNA position 3544, T replaced by C.
Protein change: p.Tyr1182His; replaces tyrosine 1182 with histidine.
Molecular consequence: missense variant.
Genome position (GRCh38, 1-based): chr7:117,627,597, T>C. VCF-style: chr7-117627597-T-C. GRCh37 (hg19) VCF-style: chr7-117267651-T-C.
Other names: p.Tyr1182His; short protein forms Y1182H.
Identifiers: ClinVar variation 1506259 (VCV001506259.9), dbSNP rs770167300, ClinGen allele CA4451496.

ClinVar aggregate classification (germline): Uncertain significance. Review status: criteria provided, multiple submitters, no conflicts (2 of 4 stars). 3 submissions from 3 submitters: Uncertain significance (3). Last evaluated 2025-12-17.

Conditions:
Cystic fibrosis (CF). Also called: MUCOVISCIDOSIS. Identifiers: Orphanet 586, MedGen C0010674, MONDO:0009061, OMIM 219700. Disease mechanism: loss of function.

Allele frequency attached by ClinVar (database versions not stated): gnomAD exomes 0.00001 and below 0.00001; ExAC 0.00001.
gnomAD v4.1: 7 of 1,613,412 alleles (0.00043%); highest among the groups gnomAD compares: Non-Finnish European, 0.00059%; 1 homozygote.

Submissions (3):

Ambry Genetics
Classification: Uncertain significance for Cystic fibrosis. Last evaluated: 2025-12-17. Review status: criteria provided, single submitter. Criteria: Ambry Variant Classification Scheme 2023. Collection method: clinical testing. Allele origin: germline.
Comment: The p.Y1182H variant (also known as c.3544T>C), located in coding exon 22 of the CFTR gene, results from a T to C substitution at nucleotide position 3544. The tyrosine at codon 1182 is replaced by histidine, an amino acid with similar properties. This amino acid position is poorly conserved in available vertebrate species. In addition, this alteration is predicted to be tolerated by in silico analysis. Based on the available evidence, the clinical significance of this variant remains unclear.

Mayo Clinic Laboratories, Mayo Clinic
Classification: Uncertain significance. Last evaluated: 2023-07-18. Review status: criteria provided, single submitter. Criteria: ACMG Guidelines, 2015. Collection method: clinical testing. Allele origin: germline. Observed: 1 variant allele.
Comment: BP4, PM2_moderate

Labcorp Genetics (formerly Invitae), Labcorp
Classification: Uncertain significance for Cystic fibrosis. Last evaluated: 2021-09-17. Review status: criteria provided, single submitter. Criteria: Invitae Variant Classification Sherloc (09022015). Collection method: clinical testing. Allele origin: germline.
Comment: This sequence change replaces tyrosine with histidine at codon 1182 of the CFTR protein (p.Tyr1182His). The tyrosine residue is weakly conserved and there is a moderate physicochemical difference between tyrosine and histidine. This variant is present in population databases (rs770167300, ExAC 0.002%). This variant has not been reported in the literature in individuals with CFTR-related conditions. Algorithms developed to predict the effect of missense changes on protein structure and function (SIFT, PolyPhen-2, Align-GVGD) all suggest that this variant is likely to be tolerated, but these predictions have not been confirmed by published functional studies and their clinical significance is uncertain. In summary, the available evidence is currently insufficient to determine the role of this variant in disease. Therefore, it has been classified as a Variant of Uncertain Significance.